The following is an entry in ClinVar:

ClinVar aggregate classification (germline): Likely benign. Review status: criteria provided, multiple submitters, no conflicts (2 of 4 stars). 5 submissions from 5 submitters: Likely benign (5). Last evaluated 2026-01-27.

Conditions:
Idiopathic Pulmonary Fibrosis. Also called: Idiopathic fibrosing alveolitis, chronic form; idiopathic fibrosing alveolitis. Identifiers: Orphanet 2032, MedGen C1800706, MeSH D054990, MONDO:0800504.
Dyskeratosis congenita, autosomal dominant 2. Identifiers: MedGen C3151443, MONDO:0013521, OMIM 613989.
Dyskeratosis congenita. Identifiers: Orphanet 1775, MedGen C0265965, MONDO:0015780.

Allele frequency attached by ClinVar (database versions not stated): ExAC 0.00003; gnomAD exomes 0.00004 and 0.00020; gnomAD 0.00007; TOPMed 0.00007.
gnomAD v4.1: 300 of 1,613,986 alleles (0.019%); highest among the groups gnomAD compares: Non-Finnish European, 0.024%; no homozygotes.

Submissions (5):

Labcorp Genetics (formerly Invitae), Labcorp
Classification: Likely benign for Dyskeratosis congenita, autosomal dominant 2; Idiopathic Pulmonary Fibrosis. Last evaluated: 2026-01-27. Review status: criteria provided, single submitter. Criteria: Invitae Variant Classification Sherloc (09022015). Collection method: clinical testing. Allele origin: germline.

Blueprint Genetics
Classification: Likely benign. Last evaluated: 2024-03-07. Review status: criteria provided, single submitter. Criteria: ACMG Guidelines, 2015. Collection method: clinical testing. Allele origin: germline.

CeGaT Center for Human Genetics Tuebingen
Classification: Likely benign. Last evaluated: 2022-04-01. Review status: criteria provided, single submitter. Criteria: CeGaT Center For Human Genetics Tuebingen Variant Classification Criteria Version 2. Collection method: clinical testing. Allele origin: germline. Affected: yes. Observed: 1 variant allele.
Comment: TERT: BP4, BP7

Ambry Genetics
Classification: Likely benign for Dyskeratosis congenita. Last evaluated: 2022-02-13. Review status: criteria provided, single submitter. Criteria: Ambry Variant Classification Scheme 2023. Collection method: clinical testing. Allele origin: germline.

PreventionGenetics, part of Exact Sciences
Classification: Likely benign. Review status: criteria provided, single submitter. Criteria: ACMG Guidelines, 2015. Collection method: clinical testing. Allele origin: germline.

NM_198253.3(TERT):c.2256T>C (p.His752=)

Gene: TERT (telomerase reverse transcriptase; minus strand). Cytogenetic location: 5p15.33.
Variant type: single nucleotide variant.
Coding change: c.2256T>C on transcript NM_198253.3 (MANE Select); coding-DNA position 2256, T replaced by C.
Protein change: p.His752=; no amino-acid change (histidine 752 retained).
Molecular consequence: synonymous variant. On other transcripts: non-coding transcript variant (2).
Genome position (GRCh38, 1-based): chr5:1,278,671, A>G on the plus strand (T>C on the coding strand, the complement: TERT is on the minus strand). VCF-style: chr5-1278671-A-G. GRCh37 (hg19) VCF-style: chr5-1278786-A-G.
Other names: c.2256T>C, p.His752= (NM_001193376.3).
Identifiers: ClinVar variation 263105 (VCV000263105.39), dbSNP rs745650751, ClinGen allele CA3184617.